The following is an entry in ClinVar:

NM_001267550.2(TTN):c.93392T>G (p.Val31131Gly)

Genes: TTN (titin; minus strand), TTN-AS1 (TTN antisense RNA 1; plus strand). Cytogenetic location: 2q31.2.
Variant type: single nucleotide variant.
Coding change: c.93392T>G on transcript NM_001267550.2 (MANE Select); coding-DNA position 93392, T replaced by G.
Protein change: p.Val31131Gly; replaces valine 31131 with glycine.
Molecular consequence: missense variant.
Genome position (GRCh38, 1-based): chr2:178,548,234, A>C on the plus strand (T>G on the coding strand, the complement: TTN is on the minus strand). VCF-style: chr2-178548234-A-C. GRCh37 (hg19) VCF-style: chr2-179412961-A-C.
Other names: c.88469T>G, p.Val29490Gly (NM_001256850.1); c.66197T>G, p.Val22066Gly (NM_003319.4); c.85688T>G, p.Val28563Gly (NM_133378.4); c.66572T>G, p.Val22191Gly (NM_133432.3); c.66773T>G, p.Val22258Gly (NM_133437.4); short protein forms V31131G, V22258G, V22066G, V28563G, V22191G, V29490G.
Identifiers: ClinVar variation 535219 (VCV000535219.6), dbSNP rs1176407616, ClinGen allele CA349485575.

ClinVar aggregate classification (germline): Conflicting classifications of pathogenicity. Review status: criteria provided, conflicting classifications (1 of 4 stars). 4 submissions from 4 submitters: Uncertain significance (3); Likely benign (1). Last evaluated 2026-08-05.

Conditions:
TTN-related disorder. Also called: TTN-related condition; TTN-related disease; TTN-related disorders.
Dilated cardiomyopathy 1G (CMD1G). Identifiers: Orphanet 154, MedGen C1858763, MONDO:0011400, OMIM 604145.
Myopathy, myofibrillar, 9, with early respiratory failure (MFM9). Also called: Myopathy, distal, with early respiratory failure, autosomal dominant; EDSTROM MYOPATHY; Hereditary myopathy with early respiratory failure; MYOPATHY, PROXIMAL, WITH EARLY RESPIRATORY MUSCLE INVOLVEMENT. Identifiers: Orphanet 178464, Orphanet 34521, MedGen C1863599, MONDO:0011362, OMIM 603689.
Early-onset myopathy with fatal cardiomyopathy (CMYO5). Also called: CONGENITAL MYOPATHY 5 WITH CARDIOMYOPATHY; Salih Myopathy. Identifiers: Orphanet 289377, MedGen C2673677, MONDO:0012714, OMIM 611705. Disease mechanism: loss of function.
Autosomal recessive limb-girdle muscular dystrophy type 2J (LGMDR10). Also called: MUSCULAR DYSTROPHY, LIMB-GIRDLE, AUTOSOMAL RECESSIVE 10; Limb-girdle muscular dystrophy, type 2J. Identifiers: Orphanet 140922, MedGen C1837342, MONDO:0012127, OMIM 608807.
Hypertrophic cardiomyopathy 9. Also called: Familial hypertrophic cardiomyopathy 9. Identifiers: MedGen C1861065, MONDO:0013412, OMIM 613765.
Tibial muscular dystrophy (TMD). Also called: Udd Distal Myopathy – Tibial Muscular Dystrophy; Tibial muscular dystrophy, tardive; UDD MYOPATHY. Identifiers: Orphanet 609, MedGen C1838244, MONDO:0010870, OMIM 600334.

Allele frequency attached by ClinVar (database versions not stated): gnomAD exomes 0.00001 and 0.00002; gnomAD 0.00003; TOPMed 0.00003.
gnomAD v4.1: 29 of 1,613,750 alleles (0.0018%); highest among the groups gnomAD compares: Admixed American, 0.0067%; no homozygotes.

Submissions (4):

PreventionGenetics, part of Exact Sciences
Classification: Uncertain significance for TTN-related condition. Last evaluated: 2026-08-05. Review status: criteria provided, single submitter. Criteria: ACMG Guidelines, 2015. Collection method: clinical testing. Allele origin: germline.
Comment: The TTN c.93392T>G variant is predicted to result in the amino acid substitution p.Val31131Gly. This variant has been reported in an individual from a large dilated cardiomyopathy cohort study (Table S3. Mazzarotto. 2020. PubMed ID: 31983221). This variant is reported in 0.0031% of alleles in individuals of European (non-Finnish) descent in gnomAD. At this time, the clinical significance of this variant is uncertain due to the absence of conclusive functional and genetic evidence.

Fulgent Genetics
Classification: Uncertain significance for Tibial muscular dystrophy; Myopathy, myofibrillar, 9, with early respiratory failure; Dilated cardiomyopathy 1G; Autosomal recessive limb-girdle muscular dystrophy type 2J; Early-onset myopathy with fatal cardiomyopathy; Hypertrophic cardiomyopathy 9. Last evaluated: 2021-10-25. Review status: criteria provided, single submitter. Criteria: ACMG Guidelines, 2015. Collection method: clinical testing. Allele origin: unknown.

Blueprint Genetics
Classification: Likely benign. Last evaluated: 2021-05-14. Review status: criteria provided, single submitter. Criteria: ACMG Guidelines, 2015. Collection method: clinical testing. Allele origin: germline.

Labcorp Genetics (formerly Invitae), Labcorp
Classification: Uncertain significance for Dilated cardiomyopathy 1G; Autosomal recessive limb-girdle muscular dystrophy type 2J. Last evaluated: 2017-12-22. Review status: criteria provided, single submitter. Criteria: Invitae Variant Classification Sherloc (09022015). Collection method: clinical testing. Allele origin: germline.